The following is an entry in ClinVar:

NM_014049.5(ACAD9):c.910C>T (p.Arg304Trp)

Genes: ACAD9 (acyl-CoA dehydrogenase family member 9; plus strand), LOC126806807 (BRD4-independent group 4 enhancer GRCh37_chr3:128620937-128622136; plus strand). Cytogenetic location: 3q21.3.
Variant type: single nucleotide variant.
Coding change: c.910C>T on transcript NM_014049.5 (MANE Select); coding-DNA position 910, C replaced by T.
Protein change: p.Arg304Trp; replaces arginine 304 with tryptophan.
Molecular consequence: missense variant. On other transcripts: non-coding transcript variant (1).
Genome position (GRCh38, 1-based): chr3:128,902,580, C>T. VCF-style: chr3-128902580-C-T. GRCh37 (hg19) VCF-style: chr3-128621423-C-T.
Other names: c.541C>T, p.Arg181Trp (NM_001410805.1); short protein forms R181W, R304W.
Identifiers: ClinVar variation 1912066 (VCV001912066.3), dbSNP rs768772818, ClinGen allele CA2601344.

ClinVar aggregate classification (germline): Uncertain significance (1 of 4 stars; one submission).

Allele frequency attached by ClinVar (database versions not stated): gnomAD exomes below 0.00001; ExAC 0.00001; gnomAD 0.00001; TOPMed 0.00001.

Submission:

Labcorp Genetics (formerly Invitae), Labcorp
Classification: Uncertain significance. Last evaluated: 2025-11-24. Review status: criteria provided, single submitter. Criteria: Invitae Variant Classification Sherloc (09022015). Collection method: clinical testing. Allele origin: germline.
Comment: This sequence change replaces arginine, which is basic and polar, with tryptophan, which is neutral and slightly polar, at codon 304 of the ACAD9 protein (p.Arg304Trp). This variant is present in population databases (rs768772818, gnomAD 0.01%). This variant has not been reported in the literature in individuals affected with ACAD9-related conditions. ClinVar contains an entry for this variant (Variation ID: 1912066). Invitae Evidence Modeling of protein sequence and biophysical properties (such as structural, functional, and spatial information, amino acid conservation, physicochemical variation, residue mobility, and thermodynamic stability) indicates that this missense variant is expected to disrupt ACAD9 protein function with a positive predictive value of 80%. In summary, the available evidence is currently insufficient to determine the role of this variant in disease. Therefore, it has been classified as a Variant of Uncertain Significance.